The following is an entry in ClinVar:

NM_014915.3(ANKRD26):c.3247A>G (p.Thr1083Ala)

Gene: ANKRD26 (ankyrin repeat domain containing 26; minus strand). Cytogenetic location: 10p12.1.
Variant type: single nucleotide variant.
Coding change: c.3247A>G on transcript NM_014915.3 (MANE Select); coding-DNA position 3247, A replaced by G.
Protein change: p.Thr1083Ala; replaces threonine 1083 with alanine.
Molecular consequence: missense variant.
Genome position (GRCh38, 1-based): chr10:27,035,203, T>C on the plus strand (A>G on the coding strand, the complement: ANKRD26 is on the minus strand). VCF-style: chr10-27035203-T-C. GRCh37 (hg19) VCF-style: chr10-27324132-T-C.
Other names: c.3244A>G, p.Thr1082Ala (NM_001256053.2); short protein forms T1082A, T1083A.
Identifiers: ClinVar variation 3396992 (VCV003396992.1).

ClinVar aggregate classification (germline): Uncertain significance (1 of 4 stars; one submission).

Conditions:
Inborn genetic diseases. Identifiers: MedGen C0950123, MeSH D030342.

Submission:

Ambry Genetics
Classification: Uncertain significance for Inborn genetic diseases. Last evaluated: 2024-11-30. Review status: criteria provided, single submitter. Criteria: Ambry Variant Classification Scheme 2023. Collection method: clinical testing. Allele origin: germline.
Comment: The p.T1083A variant (also known as c.3247A>G), located in coding exon 24 of the ANKRD26 gene, results from an A to G substitution at nucleotide position 3247. The threonine at codon 1083 is replaced by alanine, an amino acid with similar properties. This amino acid position is conserved. In addition, this alteration is predicted to be tolerated by in silico analysis. Based on the available evidence, the clinical significance of this variant remains unclear.